The following is an entry in ClinVar:

NM_003060.4(SLC22A5):c.990_1016del (p.Leu332_Ile340del)

Gene: SLC22A5 (solute carrier family 22 member 5; plus strand). Cytogenetic location: 5q31.1.
Variant type: Deletion.
Coding change: c.990_1016del on transcript NM_003060.4 (MANE Select); coding-DNA positions 990 to 1016, 27 bases deleted (CATTCTGGATCTGCTTCGAACCTGGAA).
Protein change: p.Leu332_Ile340del.
Molecular consequence: inframe deletion.
Genome position (GRCh38, 1-based): chr5:132,388,959-132,388,985, CATTCTGGATCTGCTTCGAACCTGGAA deleted; deleting any 27 consecutive bases within chr5:132,388,957-132,388,985 gives the same sequence; the c. name uses the placement nearest the transcript's 3' end. VCF-style (leftmost placement, unchanged base first): chr5-132388956-CAACATTCTGGATCTGCTTCGAACCTGG-C. GRCh37 (hg19) VCF-style: chr5-131724648-CAACATTCTGGATCTGCTTCGAACCTGG-C.
Other names: c.1062_1088del, p.Leu356_Ile364del (NM_001308122.2).
Identifiers: ClinVar variation 566808 (VCV000566808.10), dbSNP rs1561574113, ClinGen allele CA891842955.

ClinVar aggregate classification (germline): Uncertain significance. Review status: criteria provided, multiple submitters, no conflicts (2 of 4 stars). 3 submissions from 3 submitters: Uncertain significance (3). Last evaluated 2026-03-18.

Conditions:
Renal carnitine transport defect (CDSP). Also called: Systemic primary carnitine deficiency disease; CARNITINE DEFICIENCY, SYSTEMIC, DUE TO DEFECT IN RENAL REABSORPTION OF CARNITINE; CARNITINE TRANSPORTER, PLASMA-MEMBRANE, DEFICIENCY OF; CARNITINE UPTAKE DEFECT; Primary carnitine deficiency; Systemic primary carnitine deficiency. Identifiers: Orphanet 158, MedGen C0342788, MONDO:0008919, OMIM 212140.

Submissions (3):

Myriad Genetics, Inc.
Classification: Uncertain significance for Renal carnitine transport defect. Last evaluated: 2026-03-18. Review status: criteria provided, single submitter. Criteria: Myriad Autosomal Dominant, Autosomal Recessive and X-Linked Classification Criteria (2023). Collection method: clinical testing. Allele origin: unknown.
Comment: NM_003060.3(SLC22A5):c.990_1016del27(L332_I340del) is an in-frame deletion classified as a variant of uncertain significance in the context of primary carnitine deficiency. L332_I340del has not been observed in cases with relevant disease. Relevant functional assessments of this variant are not available in the literature. L332_I340del has not been observed in referenced population frequency databases. In summary, there is insufficient evidence to classify NM_003060.3(SLC22A5):c.990_1016del27(L332_I340del) as pathogenic or benign. Please note: this variant was assessed in the context of healthy population screening.

Fulgent Genetics
Classification: Uncertain significance for Renal carnitine transport defect. Last evaluated: 2021-07-05. Review status: criteria provided, single submitter. Criteria: ACMG Guidelines, 2015. Collection method: clinical testing. Allele origin: unknown.

Labcorp Genetics (formerly Invitae), Labcorp
Classification: Uncertain significance for Renal carnitine transport defect. Last evaluated: 2021-05-08. Review status: criteria provided, single submitter. Criteria: Invitae Variant Classification Sherloc (09022015). Collection method: clinical testing. Allele origin: germline.
Comment: In summary, the available evidence is currently insufficient to determine the role of this variant in disease. Therefore, it has been classified as a Variant of Uncertain Significance. This variant has been observed in individual(s) with carnitine deficiency (Invitae). ClinVar contains an entry for this variant (Variation ID: 566808). This variant, c.990_1016del, results in the deletion of 9 amino acid(s) of the SLC22A5 protein (p.Leu332_Ile340del), but otherwise preserves the integrity of the reading frame. This variant is not present in population databases (ExAC no frequency). This variant disrupts a region of the protein in which other variant(s) (p.Thr337Ile) have been observed in individuals with SLC22A5-related conditions (Invitae). This suggests that this may be a clinically significant region of the SLC22A5 protein.